The following is an entry in ClinVar:

ClinVar aggregate classification (germline): Benign/Likely benign. Review status: criteria provided, multiple submitters, no conflicts (2 of 4 stars). 8 submissions from 8 submitters: Benign (2); Likely benign (4). 2 of the submissions do not count toward it. Last evaluated 2026-03-01.

Conditions:
Diabetes mellitus, transient neonatal, 1 (TNDM1). Also called: Diabetes Mellitus, 6q24-Related Transient Neonatal. Identifiers: Orphanet 99886, MedGen C1832386, MONDO:0011073, OMIM 601410.

Allele frequency attached by ClinVar (database versions not stated): gnomAD exomes 0.00332 and 0.00360; ExAC 0.00337; 1000 Genomes Project 30x 0.00359; ESP Exome Variant Server 0.00398; 1000 Genomes Project 0.00399; gnomAD 0.00527 and 0.00553; TOPMed 0.00588.
gnomAD v4.1: 5,724 of 1,613,078 alleles (0.35%); highest among the groups gnomAD compares: African/African-American, 0.94%; 25 homozygotes.

Submissions (8):

CeGaT Center for Human Genetics Tuebingen
Classification: Likely benign. Last evaluated: 2026-03-01. Review status: criteria provided, single submitter. Criteria: CeGaT Center For Human Genetics Tuebingen Variant Classification Criteria Version 2. Collection method: clinical testing. Allele origin: germline. Affected: yes. Observed: 2 variant alleles.
Comment: ZFP57: BP4, BP7, BS2

Labcorp Genetics (formerly Invitae), Labcorp
Classification: Benign. Last evaluated: 2026-01-25. Review status: criteria provided, single submitter. Criteria: Invitae Variant Classification Sherloc (09022015). Collection method: clinical testing. Allele origin: germline.

ARUP Laboratories, Molecular Genetics and Genomics, ARUP Laboratories
Classification: Likely benign for Diabetes mellitus, transient neonatal, 1. Last evaluated: 2023-08-16. Review status: criteria provided, single submitter. Criteria: ARUP Molecular Germline Variant Investigation Process 2024. Collection method: clinical testing. Allele origin: germline.

Illumina Laboratory Services, Illumina
Classification: Likely benign for Diabetes mellitus, transient neonatal, 1. Last evaluated: 2018-01-13. Review status: criteria provided, single submitter. Criteria: ICSL Variant Classification Criteria 13 December 2019. Collection method: clinical testing. Allele origin: germline.
Comment: This variant was observed in the ICSL laboratory as part of a predisposition screen in an ostensibly healthy population. It had not been previously curated by ICSL or reported in the Human Gene Mutation Database (HGMD: prior to June 1st, 2018), and was therefore a candidate for classification through an automated scoring system. Utilizing variant allele frequency, disease prevalence and penetrance estimates, and inheritance mode, an automated score was calculated to assess if this variant is too frequent to cause the disease. Based on the score and internal cut-off values, a variant classified as likely benign is not then subjected to further curation. The score for this variant resulted in a classification of likely benign for this disease.

Genetic Services Laboratory, University of Chicago
Classification: Benign for AllHighlyPenetrant. Last evaluated: 2013-02-21. Review status: criteria provided, single submitter. Criteria: ACMG Guidelines, 2007. Collection method: clinical testing. Allele origin: germline. Inheritance: Autosomal recessive inheritance.

Breakthrough Genomics
Classification: Likely benign. Review status: criteria provided, single submitter. Criteria: ACMG Guidelines, 2015. Collection method: not provided. Allele origin: germline. Inheritance: Autosomal dominant inheritance. Affected: yes.

Clinical Genetics DNA and cytogenetics Diagnostics Lab, Erasmus MC, Erasmus Medical Center
Classification: Likely benign. Review status: no assertion criteria provided. Collection method: clinical testing. Allele origin: germline. Affected: yes. Study: VKGL Data-share Consensus. Not counted in ClinVar's aggregate classification.

Laboratory of Diagnostic Genome Analysis, Leiden University Medical Center (LUMC)
Classification: Likely benign. Review status: no assertion criteria provided. Collection method: clinical testing. Allele origin: germline. Affected: yes. Study: VKGL Data-share Consensus. Not counted in ClinVar's aggregate classification.

NM_001109809.5(ZFP57):c.1086T>C (p.Thr362=)

Gene: ZFP57 (ZFP57 zinc finger protein; minus strand). Cytogenetic location: 6p22.1.
Variant type: single nucleotide variant.
Coding change: c.1086T>C on transcript NM_001109809.5 (MANE Select); coding-DNA position 1086, T replaced by C.
Protein change: p.Thr362=; no amino-acid change (threonine 362 retained).
Molecular consequence: synonymous variant.
Genome position (GRCh38, 1-based): chr6:29,673,025, A>G on the plus strand (T>C on the coding strand, the complement: ZFP57 is on the minus strand). VCF-style: chr6-29673025-A-G. GRCh37 (hg19) VCF-style: chr6-29640802-A-G.
Other names: c.870T>C, p.Thr290= (NM_001366333.2).
Identifiers: ClinVar variation 130768 (VCV000130768.36), dbSNP rs61730326, ClinGen allele CA156037.
Genomic context (GRCh38, chr6:29,673,025, plus strand): 5'-ATTGAGTCTTGAGGGCTTCACTGGATGAGAGTTGGATCTGGCATCCTGACAGAGGGTTCC[A>G]GTGATGGGTGCCTGGGTCCTGGTCACAGGTGCTTGGTTCTTAAGTACAGATGCCTGGTTC-3'
Protein context (NP_001103279.2, residues 352-372): APVTRTQAPI[Thr362=]GTLCQDARSN